The following is an entry in ClinVar:

ClinVar aggregate classification (germline): Benign/Likely benign. Review status: criteria provided, multiple submitters, no conflicts (2 of 4 stars). 3 submissions from 3 submitters: Benign (1); Likely benign (2). Last evaluated 2024-02-26.

Conditions:
Hereditary cancer-predisposing syndrome. Also called: Neoplastic Syndromes, Hereditary; Tumor predisposition; Hereditary Cancer Syndrome; Hereditary neoplastic syndrome. Identifiers: Orphanet 140162, MedGen C0027672, MeSH D009386, MONDO:0015356.
Familial adenomatous polyposis 1 (FAP1). Also called: FAMILIAL ADENOMATOUS POLYPOSIS 1, ATTENUATED; POLYPOSIS, ADENOMATOUS INTESTINAL. Identifiers: MedGen C2713442, MONDO:0021056, OMIM 175100. Disease mechanism: loss of function.

Submissions (3):

Myriad Genetics, Inc.
Classification: Benign for Familial adenomatous polyposis 1. Last evaluated: 2024-02-26. Review status: criteria provided, single submitter. Criteria: Myriad Autosomal Dominant, Autosomal Recessive and X-Linked Classification Criteria (2023). Collection method: clinical testing. Allele origin: unknown.
Comment: This variant is considered benign. This variant is a silent/synonymous amino acid change and it is not expected to impact splicing.

Labcorp Genetics (formerly Invitae), Labcorp
Classification: Likely benign for Familial adenomatous polyposis 1. Last evaluated: 2022-12-08. Review status: criteria provided, single submitter. Criteria: Invitae Variant Classification Sherloc (09022015). Collection method: clinical testing. Allele origin: germline.

Ambry Genetics
Classification: Likely benign for Hereditary cancer-predisposing syndrome. Last evaluated: 2016-04-07. Review status: criteria provided, single submitter. Criteria: Ambry Variant Classification Scheme 2023. Collection method: clinical testing. Allele origin: germline.

NM_000038.6(APC):c.735A>C (p.Ser245=)

Gene: APC (APC regulator of Wnt signaling pathway; plus strand). Cytogenetic location: 5q22.2.
Variant type: single nucleotide variant.
Coding change: c.735A>C on transcript NM_000038.6 (MANE Select); coding-DNA position 735, A replaced by C.
Protein change: p.Ser245=; no amino-acid change (serine 245 retained).
Molecular consequence: synonymous variant. On other transcripts: 5 prime UTR variant (1).
Genome position (GRCh38, 1-based): chr5:112,801,284, A>C. VCF-style: chr5-112801284-A-C. GRCh37 (hg19) VCF-style: chr5-112136981-A-C.
Other names: c.735A>C, p.Ser245= (NM_001127510.3, NM_001354895.2, NM_001354896.2 and 1 more transcripts); c.681A>C, p.Ser227= (NM_001127511.3); c.765A>C, p.Ser255= (NM_001354897.2, NM_001354902.2); c.660A>C, p.Ser220= (NM_001354898.2, NM_001354904.2); c.651A>C, p.Ser217= (NM_001354899.2); c.558A>C, p.Ser186= (NM_001354900.2, NM_001354901.2, NM_001354905.2); c.-301A>C (NM_001354906.2).
Identifiers: ClinVar variation 482339 (VCV000482339.15), dbSNP rs876659397, ClinGen allele CA445755607.